The following is an entry in ClinVar:

ClinVar aggregate classification (germline): Uncertain significance. Review status: criteria provided, multiple submitters, no conflicts (2 of 4 stars). 2 submissions from 2 submitters: Uncertain significance (2). Last evaluated 2022-06-08.

Conditions:
Dilated cardiomyopathy 1R (CMD1R). Identifiers: Orphanet 154, Orphanet 54260, MedGen C3150681, MONDO:0013261, OMIM 613424.

Submissions (2):

Clinical Genetics Laboratory, Skane University Hospital Lund
Classification: Uncertain significance. Last evaluated: 2022-06-08. Review status: criteria provided, single submitter. Criteria: ACMG Guidelines, 2015. Collection method: clinical testing. Allele origin: germline. Affected: yes.

3billion
Classification: Uncertain significance for Dilated cardiomyopathy 1R. Last evaluated: 2022-03-22. Review status: criteria provided, single submitter. Criteria: ACMG Guidelines, 2015. Collection method: clinical testing. Allele origin: germline. Affected: yes. Observed: 1 heterozygote.
Comment: This variant is absent from the gnomAD v2.1.1 dataset. In silico tool predictions suggest damaging effect of the variant on gene or gene product (REVEL: 0.954>=0.6, 3CNET: 0.998>=0.75). Missense changes are a common disease-causing mechanism. Therefore, this variant is classified as uncertain significance according to the recommendation of ACMG/AMP guideline.

NM_005159.5(ACTC1):c.758G>T (p.Gly253Val)

Genes: ACTC1 (actin alpha cardiac muscle 1; minus strand), GJD2-DT (GJD2 divergent transcript; plus strand). Cytogenetic location: 15q14.
Variant type: single nucleotide variant.
Coding change: c.758G>T on transcript NM_005159.5 (MANE Select); coding-DNA position 758, G replaced by T.
Protein change: p.Gly253Val; replaces glycine 253 with valine.
Molecular consequence: missense variant.
Genome position (GRCh38, 1-based): chr15:34,792,140, C>A on the plus strand (G>T on the coding strand, the complement: ACTC1 is on the minus strand). VCF-style: chr15-34792140-C-A. GRCh37 (hg19) VCF-style: chr15-35084341-C-A.
Other names: short protein forms G253V.
Identifiers: ClinVar variation 1526140 (VCV001526140.2), dbSNP rs2140430523, ClinGen allele CA391629844.
Genomic context (GRCh38, chr15:34,792,140, plus strand): 5'-TACAACTCACCAATGAAGGAGGGCTGGAAGAGTGTCTCAGGACAGCGGAAGCGCTCATTG[C>A]CAATAGTGATGACTTGGCCATCAGGCAGTTCATAGCTCTTCTCCAGGGAGGAGGAAGAGG-3'
Protein context (NP_005150.1, residues 243-263): ELPDGQVITI[Gly253Val]NERFRCPETL